The following is an entry in ClinVar:

ClinVar aggregate classification (germline): conflicting data from submitters (0 of 4 stars; one submission).

Submission:

ISCA site 1
Classification: conflicting data from submitters. Last evaluated: 2013-09-27. Review status: no assertion criteria provided. Collection method: clinical testing. Allele origin: paternal, unknown. Affected: yes. Observed: 2 variant alleles.
Comment: Uncertain significance(1), Likely benign (1)

Copy number variation identified through the course of routine clinical cytogenomic testing in postnatal populations, with clinical assertions as classified by the original submitter. For data from the original published study, Kaminsky, et al. 2011 (PubMed 21844811), please see nstd101.

GRCh38/hg38 18p11.31-11.23(chr18:6947044-8084807)x3

Genes: LAMA1 (laminin subunit alpha 1; minus strand), LRRC30 (leucine rich repeat containing 30; plus strand), PTPRM (protein tyrosine phosphatase receptor type M; plus strand), LOC101927188 (uncharacterized LOC101927188; plus strand), LOC112543434 (P300/CBP strongly-dependent group 1 enhancer GRCh37_chr18:7038146-7039345; plus strand) and 7 more. Cytogenetic location: 18p11.31-11.23.
Variant type: copy number gain.
Change: copy number 3 (three copies instead of two) of chr18:6,947,044-8,084,807 (1.14 Mb, GRCh38 coordinates, 1-based), cytogenetic band 18p11.31-11.23.
Identifiers: ClinVar variation 152481 (VCV000152481.3).